The following is an entry in ClinVar:

ClinVar aggregate classification (germline): Uncertain significance. Review status: criteria provided, multiple submitters, no conflicts (2 of 4 stars). 4 submissions from 4 submitters: Uncertain significance (4). Last evaluated 2024-06-17.

Conditions:
Inborn genetic diseases. Identifiers: MedGen C0950123, MeSH D030342.
Fanconi anemia (FA). Also called: Fanconi's anemia. Identifiers: Orphanet 84, MedGen C0015625, MeSH D005199, MONDO:0019391.
Fanconi anemia complementation group I (FANCI). Also called: FANCI-Related Fanconi Anemia. Identifiers: Orphanet 84, MedGen C1836861, MONDO:0012186, OMIM 609053.

Allele frequency attached by ClinVar (database versions not stated): ExAC 0.00001; gnomAD 0.00001; TOPMed 0.00001; gnomAD exomes 0.00002; ESP Exome Variant Server 0.00008.
gnomAD v4.1: 28 of 1,613,954 alleles (0.0017%); highest among the groups gnomAD compares: Non-Finnish European, 0.0023%; no homozygotes.

Submissions (4):

Fulgent Genetics
Classification: Uncertain significance for Fanconi anemia complementation group I. Last evaluated: 2024-06-17. Review status: criteria provided, single submitter. Criteria: ACMG Guidelines, 2015. Collection method: clinical testing. Allele origin: germline.

Ambry Genetics
Classification: Uncertain significance for Inborn genetic diseases. Last evaluated: 2024-06-16. Review status: criteria provided, single submitter. Criteria: Ambry Variant Classification Scheme 2023. Collection method: clinical testing. Allele origin: germline.

Blueprint Genetics
Classification: Uncertain significance. Last evaluated: 2024-01-16. Review status: criteria provided, single submitter. Criteria: ACMG Guidelines, 2015. Collection method: clinical testing. Allele origin: germline.

Labcorp Genetics (formerly Invitae), Labcorp
Classification: Uncertain significance for Fanconi anemia. Last evaluated: 2022-09-19. Review status: criteria provided, single submitter. Criteria: Invitae Variant Classification Sherloc (09022015). Collection method: clinical testing. Allele origin: germline.
Comment: This sequence change replaces tyrosine, which is neutral and polar, with histidine, which is basic and polar, at codon 69 of the FANCI protein (p.Tyr69His). This variant is present in population databases (rs367668146, gnomAD 0.003%). This variant has not been reported in the literature in individuals affected with FANCI-related conditions. Advanced modeling of protein sequence and biophysical properties (such as structural, functional, and spatial information, amino acid conservation, physicochemical variation, residue mobility, and thermodynamic stability) performed at Invitae indicates that this missense variant is expected to disrupt FANCI protein function. In summary, the available evidence is currently insufficient to determine the role of this variant in disease. Therefore, it has been classified as a Variant of Uncertain Significance.

NM_001113378.2(FANCI):c.205T>C (p.Tyr69His)

Gene: FANCI (FA complementation group I; plus strand). Cytogenetic location: 15q26.1.
Variant type: single nucleotide variant.
Coding change: c.205T>C on transcript NM_001113378.2 (MANE Select); coding-DNA position 205, T replaced by C.
Protein change: p.Tyr69His; replaces tyrosine 69 with histidine.
Molecular consequence: missense variant. On other transcripts: 5 prime UTR variant (1).
Genome position (GRCh38, 1-based): chr15:89,260,760, T>C. VCF-style: chr15-89260760-T-C. GRCh37 (hg19) VCF-style: chr15-89803991-T-C.
Other names: c.-75T>C (NM_001376910.1); c.205T>C, p.Tyr69His (NM_001376911.1, NM_018193.3); short protein forms Y69H.
Identifiers: ClinVar variation 2160880 (VCV002160880.4), dbSNP rs367668146, ClinGen allele CA7722533.
Genomic context (GRCh38, chr15:89,260,760, plus strand): 5'-TTAAAACAATAAGGTTCCCCCTGCTCTGAGGAAGCTGGAACACTTAGGAGACGTAAGATA[T>C]ACACTTGTTGTATCCAGTTGGTGGAATCGGGGGATTTGCAGAAAGAAATAGCGTCTGAGA-3'
Protein context (NP_001106849.1, residues 59-79): EAGTLRRRKI[Tyr69His]TCCIQLVESG